The following is an entry in ClinVar:

NM_007294.4(BRCA1):c.5193+5G>C

Gene: BRCA1 (BRCA1 DNA repair associated; minus strand). Cytogenetic location: 17q21.31.
Variant type: single nucleotide variant.
Coding change: c.5193+5G>C on transcript NM_007294.4 (MANE Select); 5 bases into the intron after coding-DNA position 5193, G replaced by C.
Molecular consequence: intron variant.
Genome position (GRCh38, 1-based): chr17:43,063,328, C>G on the plus strand (G>C on the coding strand, the complement: BRCA1 is on the minus strand). VCF-style: chr17-43063328-C-G. GRCh37 (hg19) VCF-style: chr17-41215345-C-G.
Other names: c.1740+5G>C (NM_001408458.1, NM_001408461.1, NM_001408464.1 and 7 more transcripts); c.4302+5G>C (NM_001407967.1); c.4812+5G>C (NM_001407959.1); c.4926+5G>C (NM_001407931.1, NM_001407932.1, NM_001407928.1 and 4 more transcripts); c.5049+5G>C (NM_001407747.1, NM_001407745.1, NM_001407737.1 and 21 more transcripts); c.4809+5G>C (NM_001407962.1, NM_001407960.1); c.1380+5G>C (NM_001408512.1); c.1503+5G>C (NM_001408510.1); and 72 more.
Identifiers: ClinVar variation 865107 (VCV000865107.3), dbSNP rs2051852919, ClinGen allele CA916080034.

Conditions:
Breast-ovarian cancer, familial, susceptibility to, 1 (BROVCA1). Also called: BRCA1 Hereditary Breast and Ovarian Cancer; OVARIAN CANCER, SUSCEPTIBILITY TO. Identifiers: Orphanet 145, MedGen C2676676, MONDO:0011450, OMIM 604370. Disease mechanism: loss of function.

Submission:

Brotman Baty Institute, University of Washington
No classification provided (evidence only). Condition: Breast-ovarian cancer, familial 1. Review status: no classification provided. Collection method: in vitro. Allele origin: not applicable. Functional consequence: functionally_normal.
ClinVar note: "not provided" was previously submitted as the classification for the variant. However, the classification appeared to be based only on an observation of functional data so it was converted to no classification on 2025-07-30.